The following is an entry in ClinVar:

ClinVar aggregate classification (germline): Uncertain significance (1 of 4 stars; one submission).

Allele frequency attached by ClinVar (database versions not stated): ExAC 0.00001; TOPMed 0.00002; gnomAD 0.00003; gnomAD exomes 0.00004; ESP Exome Variant Server 0.00008.
gnomAD v4.1: 62 of 1,614,028 alleles (0.0038%); highest among the groups gnomAD compares: Non-Finnish European, 0.0048%; no homozygotes.

Submission:

Ambry Genetics
Classification: Uncertain significance. Last evaluated: 2024-10-05. Review status: criteria provided, single submitter. Criteria: Ambry Variant Classification Scheme 2023. Collection method: clinical testing. Allele origin: germline.
Comment: The p.A705V variant (also known as c.2114C>T), located in coding exon 4 of the ALPK2 gene, results from a C to T substitution at nucleotide position 2114. The alanine at codon 705 is replaced by valine, an amino acid with similar properties. This amino acid position is conserved. In addition, this alteration is predicted to be tolerated by in silico analysis. Since supporting evidence is limited at this time, the clinical significance of this alteration remains unclear.

NM_052947.4(ALPK2):c.2114C>T (p.Ala705Val)

Gene: ALPK2 (alpha kinase 2; minus strand). Cytogenetic location: 18q21.31.
Variant type: single nucleotide variant.
Coding change: c.2114C>T on transcript NM_052947.4 (MANE Select); coding-DNA position 2114, C replaced by T.
Protein change: p.Ala705Val; replaces alanine 705 with valine.
Molecular consequence: missense variant.
Genome position (GRCh38, 1-based): chr18:58,538,073, G>A on the plus strand (C>T on the coding strand, the complement: ALPK2 is on the minus strand). VCF-style: chr18-58538073-G-A. GRCh37 (hg19) VCF-style: chr18-56205305-G-A.
Other names: short protein forms A705V.
Identifiers: ClinVar variation 1786153 (VCV001786153.3), dbSNP rs368959596, ClinGen allele CA8977122.